The following is an entry in ClinVar:

ClinVar aggregate classification (germline): Uncertain significance (1 of 4 stars; one submission).

Conditions:
Poirier-Bienvenu neurodevelopmental syndrome (POBINDS). Identifiers: Orphanet 689397, MedGen C5231482, MONDO:0032889, OMIM 618732.

Submission:

Institute of Human Genetics, University of Leipzig Medical Center
Classification: Uncertain significance for Poirier-Bienvenu neurodevelopmental syndrome. Last evaluated: 2022-01-04. Review status: criteria provided, single submitter. Criteria: ACMG Guidelines, 2015. Collection method: clinical testing. Allele origin: de novo. Affected: yes.
Comment: This variant was identified as de novo (maternity and paternity confirmed). By using patient material, we could not detect an effect on the splicing of the CSNK2B mRNA Criteria applied: PS2_MOD, PM2_SUP, BS3

NM_001320.7(CSNK2B):c.367+6T>C

Gene: CSNK2B (casein kinase 2 beta; plus strand). Cytogenetic location: 6p21.33.
Variant type: single nucleotide variant.
Coding change: c.367+6T>C on transcript NM_001320.7 (MANE Select); 6 bases into the intron after coding-DNA position 367, T replaced by C.
Molecular consequence: intron variant.
Genome position (GRCh38, 1-based): chr6:31,669,178, T>C. VCF-style: chr6-31669178-T-C. GRCh37 (hg19) VCF-style: chr6-31636955-T-C.
Other names: c.367+6T>C (NM_001282385.2).
Identifiers: ClinVar variation 1285427 (VCV001285427.2), dbSNP rs2151188436, ClinGen allele CA2499218206.